The following is an entry in ClinVar:

ClinVar aggregate classification (germline): Uncertain significance. Review status: criteria provided, multiple submitters, no conflicts (2 of 4 stars). 2 submissions from 2 submitters: Uncertain significance (2). Last evaluated 2025-07-16.

Conditions:
PLCG2-related disorder. Also called: PLCG2-related condition.
Familial cold autoinflammatory syndrome 3 (FCAS3). Also called: FAMILIAL ATYPICAL COLD URTICARIA; ANTIBODY DEFICIENCY AND IMMUNE DYSREGULATION, PLCG2-ASSOCIATED. Identifiers: Orphanet 300359, MedGen C3280914, MONDO:0013766, OMIM 614468.

Allele frequency attached by ClinVar (database versions not stated): gnomAD 0.00001; ExAC 0.00006; 1000 Genomes Project 30x 0.00078.
gnomAD v4.1: 12 of 1,613,402 alleles (0.00074%); highest among the groups gnomAD compares: East Asian, 0.027%; no homozygotes.

Submissions (2):

PreventionGenetics, part of Exact Sciences
Classification: Uncertain significance for PLCG2-related condition. Last evaluated: 2025-07-16. Review status: criteria provided, single submitter. Criteria: ACMG Guidelines, 2015. Collection method: clinical testing. Allele origin: germline.
Comment: The PLCG2 c.202A>T variant is predicted to result in the amino acid substitution p.Met68Leu. To our knowledge, this variant has not been reported in the literature. This variant is reported in 0.056% of alleles in individuals of East Asian descent in gnomAD. Although we suspect that this variant may be benign, at this time, the clinical significance of this variant is uncertain due to the absence of conclusive functional and genetic evidence.

Labcorp Genetics (formerly Invitae), Labcorp
Classification: Uncertain significance for Familial cold autoinflammatory syndrome 3. Last evaluated: 2025-04-14. Review status: criteria provided, single submitter. Criteria: Invitae Variant Classification Sherloc (09022015). Collection method: clinical testing. Allele origin: germline.
Comment: This sequence change replaces methionine, which is neutral and non-polar, with leucine, which is neutral and non-polar, at codon 68 of the PLCG2 protein (p.Met68Leu). This variant is present in population databases (rs184409507, gnomAD 0.05%). This variant has not been reported in the literature in individuals affected with PLCG2-related conditions. ClinVar contains an entry for this variant (Variation ID: 1418060). An algorithm developed to predict the effect of missense changes on protein structure and function (PolyPhen-2) suggests that this variant is likely to be tolerated. In summary, the available evidence is currently insufficient to determine the role of this variant in disease. Therefore, it has been classified as a Variant of Uncertain Significance.

NM_002661.5(PLCG2):c.202A>T (p.Met68Leu)

Gene: PLCG2 (phospholipase C gamma 2; plus strand). Cytogenetic location: 16q23.3.
Variant type: single nucleotide variant.
Coding change: c.202A>T on transcript NM_002661.5 (MANE Select); coding-DNA position 202, A replaced by T.
Protein change: p.Met68Leu; replaces methionine 68 with leucine.
Molecular consequence: missense variant.
Genome position (GRCh38, 1-based): chr16:81,854,452, A>T. VCF-style: chr16-81854452-A-T. GRCh37 (hg19) VCF-style: chr16-81888057-A-T.
Other names: c.202A>T (NM_002661.4); short protein forms M68L.
Identifiers: ClinVar variation 1418060 (VCV001418060.9), dbSNP rs184409507, ClinGen allele CA8193098.
Genomic context (GRCh38, chr16:81,854,452, plus strand): 5'-TCAGGTGGAGGGAACTCCAGCTTCTAATTGGCTCATGTTAATTTCATTTTAGTGGATATC[A>T]TGGAAATAAAAGAAATCCGCCCAGGGAAGAACTCCAAAGATTTCGAGCGAGCAAAAGCAG-3'
Protein context (NP_002652.2, residues 58-78): ADKIEGFLDI[Met68Leu]EIKEIRPGKN